The following is an entry in ClinVar:

ClinVar aggregate classification (germline): Uncertain significance (1 of 4 stars; one submission).

Conditions:
Familial intrahepatic cholestasis. Identifiers: Orphanet 284385, MedGen CN296401, MONDO:0017290.

Submission:

Genomenon, Inc
Classification: Uncertain significance for Familial intrahepatic cholestasis. Last evaluated: 2026-04-14. Review status: criteria provided, single submitter. Criteria: Genomenon Sequence Variant Interpretation Standards - Updated. Collection method: curation. Allele origin: germline. Affected: yes.
Comment: ATP8B1 p.Trp281Arg (c.841T>A) is a missense variant that changes the amino acid at residue 281 from Tryptophan to Arginine. This variant has been observed in at least one proband with features of ATP8B1-deficiency (PMID:12149765). It is absent or not present at a significant frequency in gnomAD. In silico models predict that this variant is possibly or probably damaging. In conclusion, we classify ATP8B1 p.Trp281Arg (c.841T>A) as a variant of uncertain significance.

Literature cited by the submitters: PubMed 12149765.

NM_001374385.1(ATP8B1):c.841T>A (p.Trp281Arg)

Gene: ATP8B1 (ATPase phospholipid transporting 8B1; minus strand). Cytogenetic location: 18q21.31.
Variant type: single nucleotide variant.
Coding change: c.841T>A on transcript NM_001374385.1 (MANE Select); coding-DNA position 841, T replaced by A.
Protein change: p.Trp281Arg; replaces tryptophan 281 with arginine.
Molecular consequence: missense variant.
Genome position (GRCh38, 1-based): chr18:57,695,270, A>T on the plus strand (T>A on the coding strand, the complement: ATP8B1 is on the minus strand). VCF-style: chr18-57695270-A-T. GRCh37 (hg19) VCF-style: chr18-55362502-A-T.
Other names: c.691T>A, p.Trp231Arg (NM_001374386.1); c.841T>A, p.Trp281Arg (NM_005603.6); short protein forms W231R, W281R.
Identifiers: ClinVar variation 4846309 (VCV004846309.1).